The following is an entry in ClinVar:

NM_001385079.1(PDE10A):c.1517C>T (p.Ala506Val)

Gene: PDE10A (phosphodiesterase 10A; minus strand). Cytogenetic location: 6q27.
Variant type: single nucleotide variant.
Coding change: c.1517C>T on transcript NM_001385079.1 (MANE Select); coding-DNA position 1517, C replaced by T.
Protein change: p.Ala506Val; replaces alanine 506 with valine.
Molecular consequence: missense variant.
Genome position (GRCh38, 1-based): chr6:165,431,447, G>A on the plus strand (C>T on the coding strand, the complement: PDE10A is on the minus strand). VCF-style: chr6-165431447-G-A. GRCh37 (hg19) VCF-style: chr6-165844935-G-A.
Other names: c.719C>T, p.Ala240Val (NM_001130690.3); c.689C>T, p.Ala230Val (NM_006661.4); short protein forms A230V, A506V, A240V.
Identifiers: ClinVar variation 2868200 (VCV002868200.3), dbSNP rs1001483939, ClinGen allele CA151805038.

ClinVar aggregate classification (germline): Uncertain significance (1 of 4 stars; one submission).

Allele frequency attached by ClinVar (database versions not stated): gnomAD 0.00001; gnomAD exomes 0.00001.
gnomAD v4.1: 13 of 1,598,330 alleles (0.00081%); highest among the groups gnomAD compares: Admixed American, 0.0017%; no homozygotes.

Submission:

Labcorp Genetics (formerly Invitae), Labcorp
Classification: Uncertain significance. Last evaluated: 2023-01-26. Review status: criteria provided, single submitter. Criteria: Invitae Variant Classification Sherloc (09022015). Collection method: clinical testing. Allele origin: germline.
Comment: In summary, the available evidence is currently insufficient to determine the role of this variant in disease. Therefore, it has been classified as a Variant of Uncertain Significance. Advanced modeling of protein sequence and biophysical properties (such as structural, functional, and spatial information, amino acid conservation, physicochemical variation, residue mobility, and thermodynamic stability) performed at Invitae indicates that this missense variant is not expected to disrupt PDE10A protein function. This variant has not been reported in the literature in individuals affected with PDE10A-related conditions. This variant is present in population databases (no rsID available, gnomAD 0.003%). This sequence change replaces alanine, which is neutral and non-polar, with valine, which is neutral and non-polar, at codon 240 of the PDE10A protein (p.Ala240Val).